The following is an entry in ClinVar:

NM_004963.4(GUCY2C):c.2186A>T (p.Glu729Val)

Gene: GUCY2C (guanylate cyclase 2C; minus strand). Cytogenetic location: 12p12.3.
Variant type: single nucleotide variant.
Coding change: c.2186A>T on transcript NM_004963.4 (MANE Select); coding-DNA position 2186, A replaced by T.
Protein change: p.Glu729Val; replaces glutamic acid 729 with valine.
Molecular consequence: missense variant.
Genome position (GRCh38, 1-based): chr12:14,628,709, T>A on the plus strand (A>T on the coding strand, the complement: GUCY2C is on the minus strand). VCF-style: chr12-14628709-T-A. GRCh37 (hg19) VCF-style: chr12-14781643-T-A.
Other names: short protein forms E729V.
Identifiers: ClinVar variation 3678138 (VCV003678138.2).

ClinVar aggregate classification (germline): Uncertain significance (1 of 4 stars; one submission).

gnomAD v4.1: 4 of 1,598,570 alleles (0.00025%); highest among the groups gnomAD compares: Non-Finnish European, 0.00034%; no homozygotes.

Submission:

Labcorp Genetics (formerly Invitae), Labcorp
Classification: Uncertain significance. Last evaluated: 2026-01-13. Review status: criteria provided, single submitter. Criteria: Invitae Variant Classification Sherloc (09022015). Collection method: clinical testing. Allele origin: germline.
Comment: This sequence change replaces glutamic acid, which is acidic and polar, with valine, which is neutral and non-polar, at codon 729 of the GUCY2C protein (p.Glu729Val). This variant is not present in population databases (gnomAD no frequency). This variant has not been reported in the literature in individuals affected with GUCY2C-related conditions. ClinVar contains an entry for this variant (Variation ID: 3678138). Invitae Evidence Modeling of protein sequence and biophysical properties (such as structural, functional, and spatial information, amino acid conservation, physicochemical variation, residue mobility, and thermodynamic stability) has been performed for this missense variant. However, the output from this modeling did not meet the statistical confidence thresholds required to predict the impact of this variant on GUCY2C protein function. In summary, the available evidence is currently insufficient to determine the role of this variant in disease. Therefore, it has been classified as a Variant of Uncertain Significance.